The following is an entry in ClinVar:

ClinVar aggregate classification (germline): Likely pathogenic (1 of 4 stars; one submission).

gnomAD v4.1: 1 of 1,612,254 alleles (0.000062%); highest among the groups gnomAD compares: Non-Finnish European, 0.000085%; no homozygotes.

Submission:

Dasa
Classification: Likely pathogenic. Last evaluated: 2025-12-04. Review status: criteria provided, single submitter. Criteria: DASA Assertion Criteria. Collection method: clinical testing. Allele origin: germline.
Comment: NM_001377275.1(PER3):c.181G>T (p.Glu61*) introduces a premature termination codon predicted to result in loss of normal protein function. Loss-of-function is an established mechanism of disease for this gene. The variant is present at low frequency in population datasets. Based on the available data, this variant is classified as likely pathogenic.

NM_001377275.1(PER3):c.181G>T (p.Glu61Ter)

Gene: PER3 (period circadian regulator 3; plus strand). Cytogenetic location: 1p36.23.
Variant type: single nucleotide variant.
Coding change: c.181G>T on transcript NM_001377275.1 (MANE Select); coding-DNA position 181, G replaced by T.
Protein change: p.Glu61Ter; replaces glutamic acid 61 with a stop codon.
Molecular consequence: nonsense. On other transcripts: 5 prime UTR variant (1).
Genome position (GRCh38, 1-based): chr1:7,785,493, G>T. VCF-style: chr1-7785493-G-T. GRCh37 (hg19) VCF-style: chr1-7845553-G-T.
Other names: c.181G>T, p.Glu61Ter (NM_001289863.3, NM_001377276.1, NM_001438696.1 and 12 more transcripts); c.-838G>T (NM_001289864.3); short protein forms E61*.
Identifiers: ClinVar variation 4851858 (VCV004851858.1).